The following is an entry in ClinVar:

ClinVar aggregate classification (germline): Conflicting classifications of pathogenicity. Review status: criteria provided, conflicting classifications (1 of 4 stars). 2 submissions from 2 submitters: Pathogenic (1); Uncertain significance (1). Last evaluated 2024-09-22.

Conditions:
Charcot-Marie-Tooth disease type 1D. Also called: CHARCOT-MARIE-TOOTH NEUROPATHY, TYPE 1D; HEREDITARY MOTOR AND SENSORY NEUROPATHY 1D; HMSN ID; Charcot-Marie-Tooth disease, demyelinating, type 1d. Identifiers: Orphanet 101084, MedGen C1843247, MONDO:0011890, OMIM 607678.

Submissions (2):

Victorian Clinical Genetics Services, Murdoch Childrens Research Institute
Classification: Pathogenic for Charcot-Marie-Tooth disease type 1D. Last evaluated: 2024-09-22. Review status: criteria provided, single submitter. Criteria: ACMG Guidelines, 2015. Collection method: clinical testing. Allele origin: germline. Inheritance: Autosomal dominant inheritance. Affected: yes.
Comment: Based on the classification scheme VCGS_Germline_v1.3.4, this variant is classified as Pathogenic. Following criteria are met: 0104 - Dominant negative is a mechanism of disease for this gene. Missense variants have been shown to result in impaired DNA binding and reduced transcriptional activity (PMIDs: 10369870, 11394999, 31852952). (I) 0108 - This gene is associated with both recessive and dominant disease (OMIM). (I) 0200 - Variant is predicted to result in a missense amino acid change from aspartic acid to glycine. (I) 0251 - This variant is heterozygous. (I) 0301 - Variant is absent from gnomAD (both v2 and v3). (SP) 0502 - Missense variant with conflicting in silico predictions and high conservation. (I) 0602 - Variant is located in a hotspot region or cluster of pathogenic variants. This residue is a putative nucleic acid binding site within one of the three zinc finger C2H2-type domains where pathogenic missense variants are known to cluster (PMIDs: 31852952, NCBI, DECIPHER). (SP) 0703 - Other missense variants comparable to the one identified in this case have moderate previous evidence for pathogenicity. Multiple alternative changes, p.(Asp355Glu), p.(Asp355Asn) and p.(Asp355Val), have been reported in patients with EGR2-related neuropathy (PMIDs: 10502832, 35770518, 37306961). The p.(Asp355Val) and p.(Asp355Glu) variants have been reported in de novo patients, with the latter change also having been classified as VUS in ClinVar. (SP) 0808 - Previous reports of pathogenicity for this variant are conflicting. This variant has been reported as VUS in ClinVar and as pathogenic in an individual with a clinical diagnosis of hereditary motor and sensory polyneuropathy (PMID: 27164712). (I) 0905 - No published segregation evidence has been identified for this variant. (I) 1007 - No published functional evidence has been identified for this variant. (SP) Legend: (SP) - Supporting pathogenic, (I) - Information, (SB) - Supporting benign

Mendelics
Classification: Uncertain significance. Last evaluated: 2022-05-04. Review status: criteria provided, single submitter. Criteria: Mendelics Assertion Criteria 2019. Collection method: clinical testing. Allele origin: germline.

Literature cited by the submitters: PubMed 10369870 (cited by Victorian Clinical Genetics Services, Murdoch Childrens Research Institute); PubMed 10502832 (cited by Victorian Clinical Genetics Services, Murdoch Childrens Research Institute); PubMed 11394999 (cited by Victorian Clinical Genetics Services, Murdoch Childrens Research Institute); PubMed 27164712 (cited by Victorian Clinical Genetics Services, Murdoch Childrens Research Institute); PubMed 31852952 (cited by Victorian Clinical Genetics Services, Murdoch Childrens Research Institute); PubMed 35770518 (cited by Victorian Clinical Genetics Services, Murdoch Childrens Research Institute); PubMed 37306961 (cited by Victorian Clinical Genetics Services, Murdoch Childrens Research Institute).

NM_000399.5(EGR2):c.1064A>G (p.Asp355Gly)

Gene: EGR2 (early growth response 2; minus strand). Cytogenetic location: 10q21.3.
Variant type: single nucleotide variant.
Coding change: c.1064A>G on transcript NM_000399.5 (MANE Select); coding-DNA position 1064, A replaced by G.
Protein change: p.Asp355Gly; replaces aspartic acid 355 with glycine.
Molecular consequence: missense variant.
Genome position (GRCh38, 1-based): chr10:62,813,574, T>C on the plus strand (A>G on the coding strand, the complement: EGR2 is on the minus strand). VCF-style: chr10-62813574-T-C. GRCh37 (hg19) VCF-style: chr10-64573334-T-C.
Other names: c.1064A>G, p.Asp355Gly (NM_001136177.3, NM_001136178.2); c.914A>G, p.Asp305Gly (NM_001136179.3, NM_001321037.2); c.1064A>G (NM_000399.3); short protein forms D305G, D355G.
Identifiers: ClinVar variation 1684711 (VCV001684711.2), dbSNP rs1589080611, ClinGen allele CA377027885.